The following is an entry in ClinVar:

NM_000059.4(BRCA2):c.8103del (p.Glu2702fs)

Gene: BRCA2 (BRCA2 DNA repair associated; plus strand). Cytogenetic location: 13q13.1.
Variant type: Deletion.
Coding change: c.8103del on transcript NM_000059.4 (MANE Select); coding-DNA position 8103, one base deleted (T; older notation c.8103delT).
Protein change: p.Glu2702fs; shifts the reading frame from glutamic acid 2702.
Molecular consequence: frameshift variant. On other transcripts: non-coding transcript variant (1).
Genome position (GRCh38, 1-based): chr13:32,363,305, T deleted. VCF-style (leftmost placement, unchanged base first): chr13-32363304-CT-C. GRCh37 (hg19) VCF-style: chr13-32937441-CT-C.
Other names: c.8007del, p.Glu2670fs (NM_001406719.1); c.8103del, p.Glu2702fs (NM_001406720.1); c.3171del, p.Glu1058fs (NM_001406721.1); c.1686del, p.Glu563fs (NM_001406722.1); short protein forms E1058fs, E2670fs, E2702fs, E563fs.
Identifiers: ClinVar variation 3254370 (VCV003254370.1), dbSNP rs2498157107.
Genomic context (GRCh38, chr13:32,363,304, plus strand): 5'-CAGCTGCAAAAACACTTGTTCTCTGTGTTTCTGACATAATTTCATTGAGCGCAAATATAT[CT>C]GAAACTTCTAGCAATAAAACTAGTAGTGCAGATACCCAAAAAGTGGCCATTATTGAACTT-3'

ClinVar aggregate classification (germline): Pathogenic (1 of 4 stars; one submission).

Conditions:
Breast-ovarian cancer, familial, susceptibility to, 2 (BROVCA2). Also called: BRCA2 Hereditary Breast and Ovarian Cancer. Identifiers: Orphanet 145, MedGen C2675520, MONDO:0012933, OMIM 612555. Disease mechanism: loss of function.

Submission:

Myriad Genetics, Inc.
Classification: Pathogenic for Breast-ovarian cancer, familial, susceptibility to, 2. Last evaluated: 2024-05-28. Review status: criteria provided, single submitter. Criteria: Myriad Autosomal Dominant, Autosomal Recessive and X-Linked Classification Criteria (2023). Collection method: clinical testing. Allele origin: unknown.
Comment: This variant is considered pathogenic. This variant creates a frameshift predicted to result in premature protein truncation.